The following is an entry in ClinVar:

ClinVar aggregate classification (germline): Pathogenic (1 of 4 stars; one submission).

Submission:

ISCA site 4
Classification: Pathogenic. Last evaluated: 2011-08-12. Review status: criteria provided, single submitter. Criteria: Kaminsky et al. (Genet Med. 2011). Collection method: clinical testing. Allele origin: unknown. Affected: yes. Observed: 1 variant allele.
Comment: Copy number variation identified through the course of routine clinical cytogenomic testing in postnatal populations. Clinical assertions have been curated as described in Kaminsky et al. 2011.

GRCh38/hg38 8p23.3-23.1(chr8:241530-7895064)x3

Genes: AGPAT5 (1-acylglycerol-3-phosphate O-acyltransferase 5; plus strand), ANGPT2 (angiopoietin 2; minus strand), ARHGEF10 (Rho guanine nucleotide exchange factor 10; plus strand), CLN8 (CLN8 transmembrane ER and ERGIC protein; plus strand), CLN8-AS1 (CLN8 antisense RNA 1; minus strand) and 163 more. Cytogenetic location: 8p23.3-23.1.
Variant type: copy number gain.
Change: copy number 3 (three copies instead of two) of chr8:241,530-7,895,064 (7.65 Mb, GRCh38 coordinates, 1-based), cytogenetic band 8p23.3-23.1.
Identifiers: ClinVar variation 161036 (VCV000161036.1).